The following is an entry in ClinVar:

ClinVar aggregate classification (germline): Conflicting classifications of pathogenicity. Review status: criteria provided, conflicting classifications (1 of 4 stars). 2 submissions from 2 submitters: Uncertain significance (1); Likely benign (1). Last evaluated 2023-03-23.

Conditions:
Hereditary cancer-predisposing syndrome. Also called: Tumor predisposition; Hereditary neoplastic syndrome; Neoplastic Syndromes, Hereditary; Hereditary Cancer Syndrome. Identifiers: Orphanet 140162, MedGen C0027672, MeSH D009386, MONDO:0015356.
Hereditary breast ovarian cancer syndrome. Also called: BRCA1- and BRCA2-Associated Hereditary Breast and Ovarian Cancer; Hereditary breast and ovarian cancer; Hereditary breast and/or ovarian cancer syndrome; Hereditary breast and ovarian cancer syndrome; Hereditary breast and ovarian cancer syndrome (HBOC); Breast and ovarian cancer. Identifiers: Orphanet 145, MedGen C0677776, MeSH D061325, MONDO:0003582. Disease mechanism: loss of function.

Submissions (2):

University of Washington Department of Laboratory Medicine, University of Washington
Classification: Likely benign for Hereditary cancer-predisposing syndrome. Last evaluated: 2023-03-23. Review status: criteria provided, single submitter. Criteria: Dines et al. (Genet Med. 2020). Collection method: curation. Allele origin: germline.
Comment: Missense variant in a coldspot region where missense variants are very unlikely to be pathogenic (PMID:31911673).

BRCA2 exon 10 coldspot. Reclassification based on statistical prior probability.

Labcorp Genetics (formerly Invitae), Labcorp
Classification: Uncertain significance for Hereditary breast ovarian cancer syndrome. Last evaluated: 2020-12-31. Review status: criteria provided, single submitter. Criteria: Invitae Variant Classification Sherloc (09022015). Collection method: clinical testing. Allele origin: germline.
Comment: Advanced modeling of protein sequence and biophysical properties (such as structural, functional, and spatial information, amino acid conservation, physicochemical variation, residue mobility, and thermodynamic stability) performed at Invitae indicates that this missense variant is not expected to disrupt BRCA2 protein function. This sequence change replaces arginine with serine at codon 509 of the BRCA2 protein (p.Arg509Ser). The arginine residue is moderately conserved and there is a moderate physicochemical difference between arginine and serine. This variant is not present in population databases (ExAC no frequency). This variant has not been reported in the literature in individuals with BRCA2-related conditions. In summary, the available evidence is currently insufficient to determine the role of this variant in disease. Therefore, it has been classified as a Variant of Uncertain Significance.

NM_000059.4(BRCA2):c.1527A>C (p.Arg509Ser)

Gene: BRCA2 (BRCA2 DNA repair associated; plus strand). Cytogenetic location: 13q13.1.
Variant type: single nucleotide variant.
Coding change: c.1527A>C on transcript NM_000059.4 (MANE Select); coding-DNA position 1527, A replaced by C.
Protein change: p.Arg509Ser; replaces arginine 509 with serine.
Molecular consequence: missense variant.
Genome position (GRCh38, 1-based): chr13:32,333,005, A>C. VCF-style: chr13-32333005-A-C. GRCh37 (hg19) VCF-style: chr13-32907142-A-C.
Other names: short protein forms R509S.
Identifiers: ClinVar variation 1361804 (VCV001361804.9), dbSNP rs28657708, ClinGen allele CA387764580.